The following is an entry in ClinVar:

ClinVar aggregate classification (germline): Uncertain significance (1 of 4 stars; one submission).

gnomAD v4.1: 4 of 1,606,926 alleles (0.00025%); highest among the groups gnomAD compares: Admixed American, 0.0033%; no homozygotes.

Submission:

Labcorp Genetics (formerly Invitae), Labcorp
Classification: Uncertain significance. Last evaluated: 2024-04-03. Review status: criteria provided, single submitter. Criteria: Invitae Variant Classification Sherloc (09022015). Collection method: clinical testing. Allele origin: germline.
Comment: This sequence change replaces serine, which is neutral and polar, with tyrosine, which is neutral and polar, at codon 1392 of the CASZ1 protein (p.Ser1392Tyr). This variant is not present in population databases (gnomAD no frequency). This variant has not been reported in the literature in individuals affected with CASZ1-related conditions. An algorithm developed to predict the effect of missense changes on protein structure and function (PolyPhen-2) suggests that this variant is likely to be disruptive. In summary, the available evidence is currently insufficient to determine the role of this variant in disease. Therefore, it has been classified as a Variant of Uncertain Significance.

NM_001079843.3(CASZ1):c.4175C>A (p.Ser1392Tyr)

Gene: CASZ1 (castor zinc finger 1; minus strand). Cytogenetic location: 1p36.22.
Variant type: single nucleotide variant.
Coding change: c.4175C>A on transcript NM_001079843.3 (MANE Select); coding-DNA position 4175, C replaced by A.
Protein change: p.Ser1392Tyr; replaces serine 1392 with tyrosine.
Molecular consequence: missense variant.
Genome position (GRCh38, 1-based): chr1:10,640,047, G>T on the plus strand (C>A on the coding strand, the complement: CASZ1 is on the minus strand). VCF-style: chr1-10640047-G-T. GRCh37 (hg19) VCF-style: chr1-10700104-G-T.
Other names: short protein forms S1392Y.
Identifiers: ClinVar variation 3613479 (VCV003613479.2).